The following is an entry in ClinVar:

ClinVar aggregate classification (germline): Uncertain significance. Review status: criteria provided, multiple submitters, no conflicts (2 of 4 stars). 2 submissions from 2 submitters: Uncertain significance (2). Last evaluated 2024-10-25.

Conditions:
CFTR-related disorder (CFTR-RD). Also called: CFTR-related disorders; CFTR-related condition. Identifiers: MedGen C5924204, MONDO:7770004.

Submissions (2):

PreventionGenetics, part of Exact Sciences
Classification: Uncertain significance for CFTR-related condition. Last evaluated: 2024-10-25. Review status: criteria provided, single submitter. Criteria: ACMG Guidelines, 2015. Collection method: clinical testing. Allele origin: germline.
Comment: The CFTR c.2423A>T variant is predicted to result in the amino acid substitution p.Tyr808Phe. To our knowledge, this variant has not been reported in the literature or in a large population database (gnomAD), indicating this variant is rare. At this time, the clinical significance of this variant is uncertain due to the absence of conclusive functional and genetic evidence.

Quest Diagnostics Nichols Institute San Juan Capistrano
Classification: Uncertain significance. Last evaluated: 2020-01-09. Review status: criteria provided, single submitter. Criteria: Quest Diagnostics criteria. Collection method: clinical testing. Allele origin: unknown.

NM_000492.4(CFTR):c.2423A>T (p.Tyr808Phe)

Gene: CFTR (CF transmembrane conductance regulator; plus strand). Cytogenetic location: 7q31.2.
Variant type: single nucleotide variant.
Coding change: c.2423A>T on transcript NM_000492.4 (MANE Select); coding-DNA position 2423, A replaced by T.
Protein change: p.Tyr808Phe; replaces tyrosine 808 with phenylalanine.
Molecular consequence: missense variant.
Genome position (GRCh38, 1-based): chr7:117,592,590, A>T. VCF-style: chr7-117592590-A-T. GRCh37 (hg19) VCF-style: chr7-117232644-A-T.
Other names: short protein forms Y808F.
Identifiers: ClinVar variation 993186 (VCV000993186.2), dbSNP rs1792049900, ClinGen allele CA368981227.
Genomic context (GRCh38, chr7:117,592,590, plus strand): 5'-CAGCATCCACACGAAAAGTGTCACTGGCCCCTCAGGCAAACTTGACTGAACTGGATATAT[A>T]TTCAAGAAGGTTATCTCAAGAAACTGGCTTGGAAATAAGTGAAGAAATTAACGAAGAAGA-3'
Protein context (NP_000483.3, residues 798-818): PQANLTELDI[Tyr808Phe]SRRLSQETGL